The following is an entry in ClinVar:

ClinVar aggregate classification (germline): Uncertain significance (1 of 4 stars; one submission).

Allele frequency attached by ClinVar (database versions not stated): gnomAD exomes below 0.00001; ExAC 0.00001; gnomAD 0.00001.
gnomAD v4.1: 5 of 1,577,446 alleles (0.00032%); highest among the groups gnomAD compares: Admixed American, 0.0018%; no homozygotes.

Submission:

Labcorp Genetics (formerly Invitae), Labcorp
Classification: Uncertain significance. Last evaluated: 2023-06-15. Review status: criteria provided, single submitter. Criteria: Invitae Variant Classification Sherloc (09022015). Collection method: clinical testing. Allele origin: germline.
Comment: This sequence change replaces alanine, which is neutral and non-polar, with threonine, which is neutral and polar, at codon 1475 of the ALPK3 protein (p.Ala1475Thr). This variant also falls at the last nucleotide of exon 6, which is part of the consensus splice site for this exon. The frequency data for this variant in the population databases is considered unreliable, as metrics indicate poor data quality at this position in the gnomAD database. This variant has not been reported in the literature in individuals affected with ALPK3-related conditions. An algorithm developed to predict the effect of missense changes on protein structure and function (PolyPhen-2) suggests that this variant is likely to be disruptive. Variants that disrupt the consensus splice site are a relatively common cause of aberrant splicing (PMID: 17576681, 9536098). In summary, the available evidence is currently insufficient to determine the role of this variant in disease. Therefore, it has been classified as a Variant of Uncertain Significance.

Literature cited by the submitters: PubMed 17576681; PubMed 9536098.

NM_020778.5(ALPK3):c.3817G>A (p.Ala1273Thr)

Gene: ALPK3 (alpha kinase 3; plus strand). Cytogenetic location: 15q25.3.
Variant type: single nucleotide variant.
Coding change: c.3817G>A on transcript NM_020778.5 (MANE Select); coding-DNA position 3817, G replaced by A.
Protein change: p.Ala1273Thr; replaces alanine 1273 with threonine.
Molecular consequence: missense variant.
Genome position (GRCh38, 1-based): chr15:84,858,555, G>A. VCF-style: chr15-84858555-G-A. GRCh37 (hg19) VCF-style: chr15-85401786-G-A.
Other names: short protein forms A1273T.
Identifiers: ClinVar variation 2797789 (VCV002797789.3), dbSNP rs755325451, ClinGen allele CA7709720.